The following is an entry in ClinVar:

NM_001267550.2(TTN):c.94357A>G (p.Ile31453Val)

Genes: TTN (titin; minus strand), TTN-AS1 (TTN antisense RNA 1; plus strand). Cytogenetic location: 2q31.2.
Variant type: single nucleotide variant.
Coding change: c.94357A>G on transcript NM_001267550.2 (MANE Select); coding-DNA position 94357, A replaced by G.
Protein change: p.Ile31453Val; replaces isoleucine 31453 with valine.
Molecular consequence: missense variant.
Genome position (GRCh38, 1-based): chr2:178,547,168, T>C on the plus strand (A>G on the coding strand, the complement: TTN is on the minus strand). VCF-style: chr2-178547168-T-C. GRCh37 (hg19) VCF-style: chr2-179411895-T-C.
Other names: c.89434A>G, p.Ile29812Val (NM_001256850.1); c.67162A>G, p.Ile22388Val (NM_003319.4); c.86653A>G, p.Ile28885Val (NM_133378.4); c.67537A>G, p.Ile22513Val (NM_133432.3); c.67738A>G, p.Ile22580Val (NM_133437.4); short protein forms I22388V, I31453V, I22513V, I28885V, I22580V, I29812V.
Identifiers: ClinVar variation 518661 (VCV000518661.7), dbSNP rs780232811, ClinGen allele CA349474865.

ClinVar aggregate classification (germline): Uncertain significance. Review status: criteria provided, multiple submitters, no conflicts (2 of 4 stars). 2 submissions from 2 submitters: Uncertain significance (2). Last evaluated 2019-06-24.

Conditions:
Cardiovascular phenotype. Identifiers: MedGen CN230736.

Allele frequency attached by ClinVar (database versions not stated): gnomAD 0.00001; TOPMed 0.00002.
gnomAD v4.1: 7 of 1,613,728 alleles (0.00043%); highest among the groups gnomAD compares: Admixed American, 0.005%; no homozygotes.

Submissions (2):

Ambry Genetics
Classification: Uncertain significance for Cardiovascular phenotype. Last evaluated: 2019-06-24. Review status: criteria provided, single submitter. Criteria: Ambry Variant Classification Scheme 2023. Collection method: clinical testing. Allele origin: germline.
Comment: The p.I22388V variant (also known as c.67162A>G), located in coding exon 167 of the TTN gene, results from an A to G substitution at nucleotide position 67162. The isoleucine at codon 22388 is replaced by valine, an amino acid with highly similar properties. This amino acid position is highly conserved in available vertebrate species. In addition, this alteration is predicted to be tolerated by in silico analysis. Since supporting evidence is limited at this time, the clinical significance of this alteration remains unclear.

GeneDx
Classification: Uncertain significance. Last evaluated: 2019-06-19. Review status: criteria provided, single submitter. Criteria: GeneDx Variant Classification Process June 2021. Collection method: clinical testing. Allele origin: germline. Affected: yes.
Comment: Not observed in large population cohorts (Lek et al., 2016); Missense variant in a gene in which most reported pathogenic variants are truncating/loss-of-function; Has not been previously published as pathogenic or benign to our knowledge